The following is an entry in ClinVar:

NM_001130009.3(GEN1):c.1541A>C (p.Asp514Ala)

Gene: GEN1 (GEN1 structure-specific endonuclease; plus strand). Cytogenetic location: 2p24.2.
Variant type: single nucleotide variant.
Coding change: c.1541A>C on transcript NM_001130009.3 (MANE Select); coding-DNA position 1541, A replaced by C.
Protein change: p.Asp514Ala; replaces aspartic acid 514 with alanine.
Molecular consequence: missense variant.
Genome position (GRCh38, 1-based): chr2:17,780,753, A>C. VCF-style: chr2-17780753-A-C. GRCh37 (hg19) VCF-style: chr2-17962020-A-C.
Other names: c.1541A>C (NM_001130009.1); c.1541A>C, p.Asp514Ala (NM_182625.5); short protein forms D514A.
Identifiers: ClinVar variation 1043171 (VCV001043171.9), dbSNP rs1307891761, ClinGen allele CA345926084.

ClinVar aggregate classification (germline): Uncertain significance. Review status: criteria provided, multiple submitters, no conflicts (2 of 4 stars). 2 submissions from 2 submitters: Uncertain significance (2). Last evaluated 2024-12-08.

Allele frequency attached by ClinVar (database versions not stated): gnomAD exomes below 0.00001; TOPMed below 0.00001; gnomAD 0.00002.
gnomAD v4.1: 4 of 1,613,894 alleles (0.00025%); highest among the groups gnomAD compares: African/African-American, 0.0053%; no homozygotes.

Submissions (2):

Ambry Genetics
Classification: Uncertain significance. Last evaluated: 2024-12-08. Review status: criteria provided, single submitter. Criteria: Ambry Variant Classification Scheme 2023. Collection method: clinical testing. Allele origin: germline.
Comment: The p.D514A variant (also known as c.1541A>C), located in coding exon 13 of the GEN1 gene, results from an A to C substitution at nucleotide position 1541. The aspartic acid at codon 514 is replaced by alanine, an amino acid with dissimilar properties. This amino acid position is conserved. In addition, this alteration is predicted to be tolerated by in silico analysis. Based on the available evidence, the clinical significance of this variant remains unclear.

Labcorp Genetics (formerly Invitae), Labcorp
Classification: Uncertain significance. Last evaluated: 2024-06-12. Review status: criteria provided, single submitter. Criteria: Invitae Variant Classification Sherloc (09022015). Collection method: clinical testing. Allele origin: germline.
Comment: This sequence change replaces aspartic acid, which is acidic and polar, with alanine, which is neutral and non-polar, at codon 514 of the GEN1 protein (p.Asp514Ala). This variant is present in population databases (no rsID available, gnomAD 0.007%). This variant has not been reported in the literature in individuals affected with GEN1-related conditions. ClinVar contains an entry for this variant (Variation ID: 1043171). An algorithm developed to predict the effect of missense changes on protein structure and function (PolyPhen-2) suggests that this variant is likely to be tolerated. In summary, the available evidence is currently insufficient to determine the role of this variant in disease. Therefore, it has been classified as a Variant of Uncertain Significance.